The following is an entry in ClinVar:

NM_001267550.2(TTN):c.10998del (p.Gln3667fs)

Gene: TTN (titin; minus strand). Cytogenetic location: 2q31.2.
Variant type: Deletion.
Coding change: c.10998del on transcript NM_001267550.2 (MANE Select); coding-DNA position 10998, one base deleted (T; older notation c.10998delT).
Protein change: p.Gln3667fs; shifts the reading frame from glutamine 3667.
Molecular consequence: frameshift variant. On other transcripts: intron variant (5).
Genome position (GRCh38, 1-based): chr2:178,756,478, A deleted on the plus strand (T on the coding strand, the reverse complement: TTN is on the minus strand); the first of 2 consecutive A bases (chr2:178,756,478-178,756,479); deleting either gives the same sequence. VCF-style (leftmost placement, unchanged base first): chr2-178756477-GA-G. GRCh37 (hg19) VCF-style: chr2-179621204-GA-G.
Other names: c.10485del, p.Gln3496fs (NM_133437.4); c.10165+2506del (NM_003319.4); c.10540+1064del (NM_133432.3); c.10303+2506del (NM_133378.4, NM_001256850.1, NM_133379.5); short protein forms Q3496fs, Q3667fs.
Identifiers: ClinVar variation 3382819 (VCV003382819.3).
Genomic context (GRCh38, chr2:178,756,477, plus strand): 5'-AATCATCTTTTAAAACACAGAGGAATTGAGCCGTGTCACCGCACTTTACAGTGACGTCCT[GA>G]AGATGCAGGAAAATCTTGGGCGCCTCACCCGTGGACTCTTTAGCACATTCCTTAGATAGC-3'

ClinVar aggregate classification (germline): Likely pathogenic (1 of 4 stars; one submission).

Conditions:
Dilated cardiomyopathy 1G (CMD1G). Identifiers: Orphanet 154, MedGen C1858763, MONDO:0011400, OMIM 604145.
Hypertrophic cardiomyopathy 9. Also called: Familial hypertrophic cardiomyopathy 9. Identifiers: MedGen C1861065, MONDO:0013412, OMIM 613765.
Early-onset myopathy with fatal cardiomyopathy (CMYO5). Also called: Salih Myopathy; CONGENITAL MYOPATHY 5 WITH CARDIOMYOPATHY. Identifiers: Orphanet 289377, MedGen C2673677, MONDO:0012714, OMIM 611705. Disease mechanism: loss of function.
Tibial muscular dystrophy (TMD). Also called: Tibial muscular dystrophy, tardive; Udd Distal Myopathy – Tibial Muscular Dystrophy; UDD MYOPATHY. Identifiers: Orphanet 609, MedGen C1838244, MONDO:0010870, OMIM 600334.
Autosomal recessive limb-girdle muscular dystrophy type 2J (LGMDR10). Also called: MUSCULAR DYSTROPHY, LIMB-GIRDLE, AUTOSOMAL RECESSIVE 10; Limb-girdle muscular dystrophy, type 2J. Identifiers: Orphanet 140922, MedGen C1837342, MONDO:0012127, OMIM 608807.
Myopathy, myofibrillar, 9, with early respiratory failure (MFM9). Also called: EDSTROM MYOPATHY; Myopathy, distal, with early respiratory failure, autosomal dominant; Hereditary myopathy with early respiratory failure; MYOPATHY, PROXIMAL, WITH EARLY RESPIRATORY MUSCLE INVOLVEMENT. Identifiers: Orphanet 178464, Orphanet 34521, MedGen C1863599, MONDO:0011362, OMIM 603689.

Submission:

Juno Genomics, Hangzhou Juno Genomics, Inc
Classification: Likely pathogenic for Early-onset myopathy with fatal cardiomyopathy; Dilated cardiomyopathy 1G; Hypertrophic cardiomyopathy 9; Autosomal recessive limb-girdle muscular dystrophy type 2J; Myopathy, myofibrillar, 9, with early respiratory failure; Tibial muscular dystrophy. Review status: criteria provided, single submitter. Criteria: ACMG Guidelines, 2015. Collection method: clinical testing. Allele origin: germline.
Comment: Absent from controls (or at extremely low frequency if recessive) in Genome Aggregation Database.;Null variant in a gene where loss of function (LOF) is a known mechanism of disease.